The following is an entry in ClinVar:

NM_024675.4(PALB2):c.3036T>C (p.Thr1012=)

Gene: PALB2 (partner and localizer of BRCA2; minus strand). Cytogenetic location: 16p12.2.
Variant type: single nucleotide variant.
Coding change: c.3036T>C on transcript NM_024675.4 (MANE Select); coding-DNA position 3036, T replaced by C.
Protein change: p.Thr1012=; no amino-acid change (threonine 1012 retained).
Molecular consequence: synonymous variant. On other transcripts: intron variant (1).
Genome position (GRCh38, 1-based): chr16:23,621,439, A>G on the plus strand (T>C on the coding strand, the complement: PALB2 is on the minus strand). VCF-style: chr16-23621439-A-G. GRCh37 (hg19) VCF-style: chr16-23632760-A-G.
Other names: c.2976T>C, p.Thr992= (NM_001407296.1); c.2964T>C, p.Thr988= (NM_001407297.1); c.2874T>C, p.Thr958= (NM_001407298.1, NM_001407302.1); c.3036T>C, p.Thr1012= (NM_001407299.1, NM_001407301.1); c.2151T>C, p.Thr717= (NM_001407304.1, NM_001407305.1, NM_001407306.1 and 4 more transcripts); c.1989T>C, p.Thr663= (NM_001407307.1); c.1248T>C, p.Thr416= (NM_001407312.1, NM_001407313.1); c.570T>C, p.Thr190= (NM_001407314.1); and 1 more.
Identifiers: ClinVar variation 3903583 (VCV003903583.1).

ClinVar aggregate classification (germline): Benign (1 of 4 stars; one submission).

Conditions:
Familial cancer of breast. Also called: Hereditary breast cancer; hereditary breast carcinoma; BREAST CANCER, FAMILIAL. Identifiers: Orphanet 227535, MedGen C0346153, MONDO:0016419, OMIM 114480. Disease mechanism: loss of function.

Submission:

Myriad Genetics, Inc.
Classification: Benign for Familial cancer of breast. Last evaluated: 2025-01-21. Review status: criteria provided, single submitter. Criteria: Myriad Autosomal Dominant, Autosomal Recessive and X-Linked Classification Criteria (2023). Collection method: clinical testing. Allele origin: unknown.
Comment: This variant is considered benign. This variant is a silent/synonymous amino acid change and it is not expected to impact splicing.